The following is an entry in ClinVar:

NM_000827.4(GRIA1):c.617C>T (p.Ser206Leu)

Gene: GRIA1 (glutamate ionotropic receptor AMPA type subunit 1; plus strand). Cytogenetic location: 5q33.2.
Variant type: single nucleotide variant.
Coding change: c.617C>T on transcript NM_000827.4 (MANE Select); coding-DNA position 617, C replaced by T.
Protein change: p.Ser206Leu; replaces serine 206 with leucine.
Molecular consequence: missense variant. On other transcripts: non-coding transcript variant (2).
Genome position (GRCh38, 1-based): chr5:153,650,486, C>T. VCF-style: chr5-153650486-C-T. GRCh37 (hg19) VCF-style: chr5-153030046-C-T.
Other names: c.617C>T, p.Ser206Leu (NM_001114183.2, NM_001364165.2); c.377C>T, p.Ser126Leu (NM_001258019.2); c.332C>T, p.Ser111Leu (NM_001258020.2); c.647C>T, p.Ser216Leu (NM_001258021.2, NM_001258022.2); c.410C>T, p.Ser137Leu (NM_001258023.1, NM_001364167.2); c.644C>T, p.Ser215Leu (NM_001364166.2); short protein forms S137L, S126L, S111L, S206L, S215L, S216L.
Identifiers: ClinVar variation 1348528 (VCV001348528.8), dbSNP rs1284783625, ClinGen allele CA361907539.
Genomic context (GRCh38, chr5:153,650,486, plus strand): 5'-GGATGCTCTTTCAGGACCTGGAGAAGAAAAAGGAGCGGCTGGTGGTGGTGGACTGTGAAT[C>T]AGAACGCCTCAATGCTATCTTGGGCCAGGTAGTGAAAGCAGCAAGGGCTCAGGGTGGGTG-3'
Protein context (NP_000818.2, residues 196-216): KERLVVVDCE[Ser206Leu]ERLNAILGQI

ClinVar aggregate classification (germline): Uncertain significance (1 of 4 stars; one submission).

Allele frequency attached by ClinVar (database versions not stated): gnomAD exomes below 0.00001.
gnomAD v4.1: 1 of 1,613,788 alleles (0.000062%); highest among the groups gnomAD compares: East Asian, 0.0022%; no homozygotes.

Submission:

Labcorp Genetics (formerly Invitae), Labcorp
Classification: Uncertain significance. Last evaluated: 2021-04-28. Review status: criteria provided, single submitter. Criteria: Invitae Variant Classification Sherloc (09022015). Collection method: clinical testing. Allele origin: germline.
Comment: This sequence change replaces serine with leucine at codon 206 of the GRIA1 protein (p.Ser206Leu). The serine residue is moderately conserved and there is a large physicochemical difference between serine and leucine. This variant is not present in population databases (ExAC no frequency). This variant has not been reported in the literature in individuals with GRIA1-related conditions. Algorithms developed to predict the effect of missense changes on protein structure and function (SIFT, PolyPhen-2, Align-GVGD) all suggest that this variant is likely to be tolerated, but these predictions have not been confirmed by published functional studies and their clinical significance is uncertain. In summary, the available evidence is currently insufficient to determine the role of this variant in disease. Therefore, it has been classified as a Variant of Uncertain Significance.